The following is an entry in ClinVar:

NM_030665.4(RAI1):c.1441T>C (p.Cys481Arg)

Gene: RAI1 (retinoic acid induced 1; plus strand). Cytogenetic location: 17p11.2.
Variant type: single nucleotide variant.
Coding change: c.1441T>C on transcript NM_030665.4 (MANE Select); coding-DNA position 1441, T replaced by C.
Protein change: p.Cys481Arg; replaces cysteine 481 with arginine.
Molecular consequence: missense variant.
Genome position (GRCh38, 1-based): chr17:17,794,389, T>C. VCF-style: chr17-17794389-T-C. GRCh37 (hg19) VCF-style: chr17-17697703-T-C.
Other names: short protein forms C481R.
Identifiers: ClinVar variation 4759971 (VCV004759971.1).
Genomic context (GRCh38, chr17:17,794,389, plus strand): 5'-CAGAAGAAAGGTGTCAAGAACCTCGTGTCCAGGACCCCAGAGCAGCATAAAAGCCAGCAC[T>C]GCAGCCCCGAAGGGAGCGGCTACTCAGCCGAGCCCGCAGGCACACCGCTGTCAGAGCCGC-3'
Protein context (NP_109590.3, residues 471-491): RTPEQHKSQH[Cys481Arg]SPEGSGYSAE

ClinVar aggregate classification (germline): Uncertain significance (1 of 4 stars; one submission).

Submission:

Labcorp Genetics (formerly Invitae), Labcorp
Classification: Uncertain significance. Last evaluated: 2025-10-10. Review status: criteria provided, single submitter. Criteria: Invitae Variant Classification Sherloc (09022015). Collection method: clinical testing. Allele origin: germline.
Comment: This sequence change replaces cysteine, which is neutral and slightly polar, with arginine, which is basic and polar, at codon 481 of the RAI1 protein (p.Cys481Arg). This variant is present in population databases (no rsID available, gnomAD 0.0009%). This variant has not been reported in the literature in individuals affected with RAI1-related conditions. Invitae Evidence Modeling of protein sequence and biophysical properties (such as structural, functional, and spatial information, amino acid conservation, physicochemical variation, residue mobility, and thermodynamic stability) indicates that this missense variant is not expected to disrupt RAI1 protein function with a negative predictive value of 80%. In summary, the available evidence is currently insufficient to determine the role of this variant in disease. Therefore, it has been classified as a Variant of Uncertain Significance.